The following is an entry in ClinVar:

NM_024675.4(PALB2):c.827A>C (p.His276Pro)

Gene: PALB2 (partner and localizer of BRCA2; minus strand). Cytogenetic location: 16p12.2.
Variant type: single nucleotide variant.
Coding change: c.827A>C on transcript NM_024675.4 (MANE Select); coding-DNA position 827, A replaced by C.
Protein change: p.His276Pro; replaces histidine 276 with proline.
Molecular consequence: missense variant.
Genome position (GRCh38, 1-based): chr16:23,635,719, T>G on the plus strand (A>C on the coding strand, the complement: PALB2 is on the minus strand). VCF-style: chr16-23635719-T-G. GRCh37 (hg19) VCF-style: chr16-23647040-T-G.
Other names: short protein forms H276P.
Identifiers: ClinVar variation 922232 (VCV000922232.5), dbSNP rs1967017695, ClinGen allele CA395135958.

ClinVar aggregate classification (germline): Uncertain significance (1 of 4 stars; one submission).

Conditions:
Hereditary cancer-predisposing syndrome. Also called: Neoplastic Syndromes, Hereditary; Tumor predisposition; Hereditary Cancer Syndrome; Hereditary neoplastic syndrome. Identifiers: Orphanet 140162, MedGen C0027672, MeSH D009386, MONDO:0015356.

Submission:

Color Diagnostics, LLC DBA Color Health
Classification: Uncertain significance for Hereditary cancer-predisposing syndrome. Last evaluated: 2023-12-05. Review status: criteria provided, single submitter. Criteria: ACMG Guidelines, 2015. Collection method: clinical testing. Allele origin: germline.
Comment: This missense variant replaces histidine with proline at codon 276 of the PALB2 protein. Computational prediction tools and conservation analyses suggest that this variant may not impact the protein function. Computational splicing tools suggest that this variant may not impact RNA splicing. To our knowledge, functional assays have not been performed for this variant nor has this variant been reported in individuals affected with hereditary cancer in the literature. This variant has not been identified in the general population by the Genome Aggregation Database (gnomAD). Available evidence is insufficient to determine the role of this variant in disease conclusively. Therefore, this variant is classified as a Variant of Uncertain Significance.